The following is an entry in ClinVar:

ClinVar aggregate classification (germline): Conflicting classifications of pathogenicity. Review status: criteria provided, conflicting classifications (1 of 4 stars). 9 submissions from 9 submitters: Uncertain significance (8); Likely benign (1). Last evaluated 2026-02-03.

Conditions:
Bloom syndrome (BLM). Also called: Bloom-Torre-Machacek syndrome. Identifiers: Orphanet 125, MedGen C0005859, MONDO:0008876, OMIM 210900.
Hereditary cancer-predisposing syndrome. Also called: Neoplastic Syndromes, Hereditary; Tumor predisposition; Hereditary neoplastic syndrome; Hereditary Cancer Syndrome. Identifiers: Orphanet 140162, MedGen C0027672, MeSH D009386, MONDO:0015356.
Colorectal cancer. Also called: Colorectal cancer, somatic; Malignant Colorectal Neoplasm. Identifiers: MedGen C0346629, MONDO:0005575, OMIM 114500.

Allele frequency attached by ClinVar (database versions not stated): gnomAD exomes 0.00003 and 0.00010; gnomAD 0.00004; TOPMed 0.00004; ExAC 0.00012.
gnomAD v4.1: 42 of 1,613,804 alleles (0.0026%); highest among the groups gnomAD compares: Admixed American, 0.06%; no homozygotes.

Submissions (9):

Labcorp Genetics (formerly Invitae), Labcorp
Classification: Uncertain significance for Bloom syndrome. Last evaluated: 2026-02-03. Review status: criteria provided, single submitter. Criteria: Invitae Variant Classification Sherloc (09022015). Collection method: clinical testing. Allele origin: germline.
Comment: This sequence change replaces lysine, which is basic and polar, with glutamic acid, which is acidic and polar, at codon 1186 of the BLM protein (p.Lys1186Glu). This variant is present in population databases (rs750532596, gnomAD 0.05%). This variant has not been reported in the literature in individuals affected with BLM-related conditions. ClinVar contains an entry for this variant (Variation ID: 567289). An algorithm developed to predict the effect of missense changes on protein structure and function (PolyPhen-2) suggests that this variant is likely to be tolerated. RNA analysis performed to evaluate the impact of this missense change on mRNA splicing indicates it does not significantly alter splicing (internal data). In summary, the available evidence is currently insufficient to determine the role of this variant in disease. Therefore, it has been classified as a Variant of Uncertain Significance.

Quest Diagnostics Nichols Institute San Juan Capistrano
Classification: Uncertain significance. Last evaluated: 2024-12-31. Review status: criteria provided, single submitter. Criteria: Quest Diagnostics criteria. Collection method: clinical testing. Allele origin: unknown.
Comment: The BLM c.3556A>G (p.Lys1186Glu) variant has been reported in the published literature in an individual with breast cancer (PMID: 35264596 (2022)). The frequency of this variant in the general population (Genome Aggregation Database) is higher than would generally be expected for pathogenic variants in this gene. Analysis of this variant using bioinformatics tools for the prediction of the effect of amino acid changes on protein structure and function yielded predictions that this variant is benign. Additional analysis using software algorithms for the prediction of the effect of nucleotide changes on splicing yielded predictions that this variant may affect proper BLM mRNA splicing. Based on the available information, we are unable to determine the clinical significance of this variant.

GeneDx
Classification: Uncertain significance. Last evaluated: 2023-06-23. Review status: criteria provided, single submitter. Criteria: GeneDx Variant Classification Process June 2021. Collection method: clinical testing. Allele origin: germline. Affected: yes.
Comment: In silico analysis supports that this missense variant does not alter protein structure/function; Observed in at least one individual with breast cancer in published literature (Guindalini et al., 2022); This variant is associated with the following publications: (PMID: 35264596)

Sema4
Classification: Uncertain significance for Hereditary cancer-predisposing syndrome. Last evaluated: 2021-12-16. Review status: criteria provided, single submitter. Criteria: Sema4 Curation Guidelines. Collection method: curation. Allele origin: germline.
Comment: The BLM c.3556A>G (p.K1186E) variant has not been reported in the literature to our knowledge. It was observed in 22/34578 chromosomes of the Latino/Admixed American subpopulation in the large and broad cohorts of the Genome Aggregation Database (PMID: 32461654). This variant has been reported in ClinVar (Variation ID 567289). Functional studies have not been performed, and in silico predictions of the variant's effect on protein function are inconclusive. The evidence is insufficient to meet ACMG/AMP criteria for classifying the variant as benign or pathogenic. Thus, the clinical significance of this variant is currently uncertain.

Ambry Genetics
Classification: Likely benign for Hereditary cancer-predisposing syndrome. Last evaluated: 2021-11-23. Review status: criteria provided, single submitter. Criteria: Ambry Variant Classification Scheme 2023. Collection method: clinical testing. Allele origin: germline.

Baylor Genetics
Classification: Uncertain significance for Bloom syndrome. Last evaluated: 2020-11-16. Review status: criteria provided, single submitter. Criteria: ACMG Guidelines, 2015. Collection method: clinical testing. Allele origin: unknown. Affected: yes. Study: CSER-TexasKidsCanSeq.
Comment: This variant was determined to be of uncertain significance according to ACMG Guidelines, 2015 [PMID:25741868].

Department of Pathology and Laboratory Medicine, Sinai Health System
Classification: Uncertain significance for colorectal cancer. Last evaluated: 2020-06-19. Review status: criteria provided, single submitter. Criteria: ACMG Guidelines, 2015. Collection method: research. Allele origin: germline.

Fulgent Genetics
Classification: Uncertain significance for Bloom syndrome. Last evaluated: 2018-10-31. Review status: criteria provided, single submitter. Criteria: ACMG Guidelines, 2015. Collection method: clinical testing. Allele origin: unknown.

Mendelics
Classification: Uncertain significance for Bloom syndrome. Last evaluated: 2018-07-02. Review status: criteria provided, single submitter. Criteria: Mendelics Assertion Criteria 2017. Collection method: clinical testing. Allele origin: unknown.

Literature cited by the submitters: PubMed 35264596 (cited by Quest Diagnostics Nichols Institute San Juan Capistrano).

NM_000057.4(BLM):c.3556A>G (p.Lys1186Glu)

Gene: BLM (BLM RecQ like helicase; plus strand). Cytogenetic location: 15q26.1.
Variant type: single nucleotide variant.
Coding change: c.3556A>G on transcript NM_000057.4 (MANE Select); coding-DNA position 3556, A replaced by G.
Protein change: p.Lys1186Glu; replaces lysine 1186 with glutamic acid.
Molecular consequence: missense variant. On other transcripts: intron variant (1).
Genome position (GRCh38, 1-based): chr15:90,803,718, A>G. VCF-style: chr15-90803718-A-G. GRCh37 (hg19) VCF-style: chr15-91346948-A-G.
Other names: c.2431A>G, p.Lys811Glu (NM_001287248.2); c.3358+5381A>G (NM_001287247.2); c.3556A>G, p.Lys1186Glu (NM_001287246.2); short protein forms K1186E, K811E.
Identifiers: ClinVar variation 567289 (VCV000567289.19), dbSNP rs750532596, ClinGen allele CA7739058.